The following is an entry in ClinVar:

NM_006031.6(PCNT):c.6150+11_6150+130del

Gene: PCNT (pericentrin; plus strand). Cytogenetic location: 21q22.3.
Variant type: Deletion.
Coding change: c.6150+11_6150+130del on transcript NM_006031.6 (MANE Select); bases 11 to 130 of the intron after coding-DNA position 6150, 120 bases deleted.
Molecular consequence: splice donor variant.
Genome position (GRCh38, 1-based): chr21:46,413,003-46,413,122, 120 bases deleted. GRCh37 (hg19): chr21:47,832,917-47,833,036.
Other names: c.5796+11_5796+130del (NM_001315529.2).
Identifiers: ClinVar variation 3054361 (VCV003054361.2), dbSNP rs1569271928, ClinGen allele CA638499717.

ClinVar aggregate classification (germline): Likely benign (0 of 4 stars; one submission).

Conditions:
PCNT-related disorder. Also called: PCNT-related condition.

Submission:

PreventionGenetics, part of Exact Sciences
Classification: Likely benign for PCNT-related condition. Last evaluated: 2022-04-29. Review status: no assertion criteria provided. Collection method: clinical testing. Allele origin: germline.
Comment: This variant is classified as likely benign based on ACMG/AMP sequence variant interpretation guidelines (Richards et al. 2015 PMID: 25741868, with internal and published modifications).